The following is an entry in ClinVar:

ClinVar aggregate classification (germline): Uncertain significance. Review status: criteria provided, single submitter (1 of 4 stars). 2 submissions from 2 submitters: Uncertain significance (1). 1 of the submissions does not count toward it. Last evaluated 2016-02-23.

Submissions (2):

GeneDx
Classification: Uncertain significance. Last evaluated: 2016-02-23. Review status: criteria provided, single submitter. Criteria: GeneDx Variant Classification (06012015). Collection method: clinical testing. Allele origin: germline. Affected: yes.
Comment: This variant is denoted POLE c.1372T>A at the cDNA level, p.Tyr458Asn (Y458N) at the protein level, and results in the change of a Tyrosine to an Asparagine (TAT>AAT). This variant has not, to our knowledge, been published in the literature as pathogenic or benign. POLE Tyr458Asn was not observed in approximately 6,500 individuals of European and African American ancestry in the NHLBI Exome Sequencing Project, suggesting it is not a common benign variant in these populations. Since Tyrosine and Asparagine differ in some properties, this is considered a semi-conservative amino acid substitution. POLE Tyr458Asn occurs at a position that is conserved across species and is located in the Exo III exonuclease domain (Preston 2010). In silico analyses predict that this variant is probably damaging to protein structure and function. Based on currently available evidence, it is unclear whether POLE Tyr458Asn is a pathogenic or benign variant. We consider it to be a variant of uncertain significance.

Department of Pathology and Laboratory Medicine, Sinai Health System
Classification: Uncertain significance. Review status: no assertion criteria provided. Collection method: clinical testing. Allele origin: unknown. Affected: yes. Study: The Canadian Open Genetics Repository (COGR). Not counted in ClinVar's aggregate classification.
Comment: The POLE p.Tyr458Asn was not identified in the literature; however, another variant (p.Tyr458Phe (c.1373A>T) ) at this position was identified in a large kindred in Norway that included 40 individuals (with various phenotypes, 12 of whom had been diagnosed with adenomas and/or colorectal cancer) across five generations (Hansen_2015_25860647). The p.Tyr458Asn variant was identified in the ClinVar database (as uncertain significance by GeneDx), and was not identified in dbSNP, Cosmic, MutDB, LOVD 3.0, the 1000 Genomes Project, the NHLBI GO Exome Sequencing Project, the Exome Aggregation Consortium (August 8th 2016), or the Genome Aggregation Database (Feb 27, 2017). The p.Tyr458 residue is conserved across mammals and other organisms, and four out of five computational analyses (PolyPhen-2, SIFT, AlignGVGD, BLOSUM, MutationTaster) suggest that the variant may impact the protein; however, this information is not predictive enough to assume pathogenicity. The DNA polymerase e catalytic subunit (Pole) is a large polymerase for leading-strand synthesis during DNA replication in eukaryotes; the p.Tyr458 residue being located in the active site of the Exo III motif in the exonuclease proofreading domain such that the tumorigenic effect of the alternate substitution (p.Tyr458Phe) comes from an increased mutation rate due to reduced exonuclease activity, and consequently also reduced replication fidelity (Hansen_2015_25860647). The variant occurs outside of the splicing consensus sequence and 3 of 5 in silico or computational prediction software programs (SpliceSiteFinder, MaxEntScan, NNSPLICE, GeneSplicer, HumanSpliceFinder) predict a greater than 10% difference in splicing. However, this information is not predictive enough to assume pathogenicity. In summary, based on the above information the clinical significance of this variant cannot be determined with certainty at this time. This variant is classified as a variant of uncertain significance.

NM_006231.4(POLE):c.1372T>A (p.Tyr458Asn)

Gene: POLE (DNA polymerase epsilon, catalytic subunit; minus strand). Cytogenetic location: 12q24.33.
Variant type: single nucleotide variant.
Coding change: c.1372T>A on transcript NM_006231.4 (MANE Select); coding-DNA position 1372, T replaced by A.
Protein change: p.Tyr458Asn; replaces tyrosine 458 with asparagine.
Molecular consequence: missense variant.
Genome position (GRCh38, 1-based): chr12:132,673,265, A>T on the plus strand (T>A on the coding strand, the complement: POLE is on the minus strand). VCF-style: chr12-132673265-A-T. GRCh37 (hg19) VCF-style: chr12-133249851-A-T.
Other names: short protein forms Y458N.
Identifiers: ClinVar variation 246436 (VCV000246436.3), dbSNP rs879254259, ClinGen allele CA10584410.